The following is an entry in ClinVar:

NM_001013838.3(CARMIL2):c.463T>C (p.Cys155Arg)

Gene: CARMIL2 (capping protein regulator and myosin 1 linker 2; plus strand). Cytogenetic location: 16q22.1.
Variant type: single nucleotide variant.
Coding change: c.463T>C on transcript NM_001013838.3 (MANE Select); coding-DNA position 463, T replaced by C.
Protein change: p.Cys155Arg; replaces cysteine 155 with arginine.
Molecular consequence: missense variant.
Genome position (GRCh38, 1-based): chr16:67,646,514, T>C. VCF-style: chr16-67646514-T-C. GRCh37 (hg19) VCF-style: chr16-67680417-T-C.
Other names: c.463T>C, p.Cys155Arg (NM_001317026.3); short protein forms C155R.
Identifiers: ClinVar variation 1407643 (VCV001407643.8), dbSNP rs2142911155, ClinGen allele CA396331322.

ClinVar aggregate classification (germline): Uncertain significance (1 of 4 stars; one submission).

Submission:

Labcorp Genetics (formerly Invitae), Labcorp
Classification: Uncertain significance. Last evaluated: 2021-07-27. Review status: criteria provided, single submitter. Criteria: Invitae Variant Classification Sherloc (09022015). Collection method: clinical testing. Allele origin: germline.
Comment: This sequence change replaces cysteine with arginine at codon 155 of the CARMIL2 protein (p.Cys155Arg). The cysteine residue is moderately conserved and there is a large physicochemical difference between cysteine and arginine. In summary, the available evidence is currently insufficient to determine the role of this variant in disease. Therefore, it has been classified as a Variant of Uncertain Significance. Algorithms developed to predict the effect of missense changes on protein structure and function are either unavailable or do not agree on the potential impact of this missense change (SIFT: "Deleterious"; PolyPhen-2: "Probably Damaging"; Align-GVGD: "Class C0"). This variant has not been reported in the literature in individuals affected with CARMIL2-related conditions. This variant is not present in population databases (ExAC no frequency).